The following is an entry in ClinVar:

ClinVar aggregate classification (germline): Uncertain significance (1 of 4 stars; one submission).

Conditions:
Inborn genetic diseases. Identifiers: MedGen C0950123, MeSH D030342.

Submission:

Ambry Genetics
Classification: Uncertain significance for Inborn genetic diseases. Last evaluated: 2024-10-26. Review status: criteria provided, single submitter. Criteria: Ambry Variant Classification Scheme 2023. Collection method: clinical testing. Allele origin: germline.
Comment: The p.D1525A variant (also known as c.4574A>C), located in coding exon 32 of the LRRK2 gene, results from an A to C substitution at nucleotide position 4574. The aspartic acid at codon 1525 is replaced by alanine, an amino acid with dissimilar properties. This amino acid position is conserved. In addition, this alteration is predicted to be deleterious by in silico analysis. Based on the available evidence, the clinical significance of this variant remains unclear.

NM_198578.4(LRRK2):c.4574A>C (p.Asp1525Ala)

Gene: LRRK2 (leucine rich repeat kinase 2; plus strand). Cytogenetic location: 12q12.
Variant type: single nucleotide variant.
Coding change: c.4574A>C on transcript NM_198578.4 (MANE Select); coding-DNA position 4574, A replaced by C.
Protein change: p.Asp1525Ala; replaces aspartic acid 1525 with alanine.
Molecular consequence: missense variant.
Genome position (GRCh38, 1-based): chr12:40,314,009, A>C. VCF-style: chr12-40314009-A-C. GRCh37 (hg19) VCF-style: chr12-40707811-A-C.
Other names: short protein forms D1525A.
Identifiers: ClinVar variation 3540753 (VCV003540753.1).